The following is an entry in ClinVar:

ClinVar aggregate classification (germline): Uncertain significance (1 of 4 stars; one submission).

Conditions:
Oto-palato-digital syndrome, type II (OPD2). Also called: Otopalatodigital Syndrome Type 2 (FLNA-OPD2); FACIOPALATOOSSEOUS SYNDROME; OPD II SYNDROME; Otopalatodigital Syndrome, Type II. Identifiers: Orphanet 669, Orphanet 90652, MedGen C1844696, MONDO:0010571, OMIM 304120.
Heterotopia, periventricular, X-linked dominant (PVNH1). Also called: PERIVENTRICULAR NODULAR HETEROTOPIA 1; X-linked periventricular heterotopia; PERIVENTRICULAR NODULAR HETEROTOPIA 4; HETEROTOPIA, PERIVENTRICULAR, 1. Identifiers: Orphanet 2149, Orphanet 82004, MedGen C1848213, MONDO:0010233, OMIM 300049.
Frontometaphyseal dysplasia (FMD1). Identifiers: Orphanet 1826, MedGen C0265293, MONDO:0015942.
Melnick-Needles syndrome (MNS). Also called: Melnick-Needles Syndrome (FLNA-MNS); MELNICK-NEEDLES OSTEODYSPLASTY; OSTEODYSPLASTY OF MELNICK AND NEEDLES. Identifiers: Orphanet 2484, MedGen C0025237, MONDO:0010650, OMIM 309350.

Submission:

Labcorp Genetics (formerly Invitae), Labcorp
Classification: Uncertain significance for Oto-palato-digital syndrome, type II; Heterotopia, periventricular, X-linked dominant; Frontometaphyseal dysplasia; Melnick-Needles syndrome. Last evaluated: 2024-03-20. Review status: criteria provided, single submitter. Criteria: Invitae Variant Classification Sherloc (09022015). Collection method: clinical testing. Allele origin: germline.
Comment: This sequence change replaces proline, which is neutral and non-polar, with arginine, which is basic and polar, at codon 184 of the FLNA protein (p.Pro184Arg). This variant is not present in population databases (gnomAD no frequency). This variant has not been reported in the literature in individuals affected with FLNA-related conditions. Advanced modeling of protein sequence and biophysical properties (such as structural, functional, and spatial information, amino acid conservation, physicochemical variation, residue mobility, and thermodynamic stability) has been performed at Invitae for this missense variant, however the output from this modeling did not meet the statistical confidence thresholds required to predict the impact of this variant on FLNA protein function. In summary, the available evidence is currently insufficient to determine the role of this variant in disease. Therefore, it has been classified as a Variant of Uncertain Significance.

NM_001110556.2(FLNA):c.551C>G (p.Pro184Arg)

Gene: FLNA (filamin A; minus strand). Cytogenetic location: Xq28.
Variant type: single nucleotide variant.
Coding change: c.551C>G on transcript NM_001110556.2 (MANE Select); coding-DNA position 551, C replaced by G.
Protein change: p.Pro184Arg; replaces proline 184 with arginine.
Molecular consequence: missense variant.
Genome position (GRCh38, 1-based): chrX:154,367,913, G>C on the plus strand (C>G on the coding strand, the complement: FLNA is on the minus strand). VCF-style: chrX-154367913-G-C. GRCh37 (hg19) VCF-style: chrX-153596281-G-C.
Other names: c.551C>G, p.Pro184Arg (NM_001456.4); short protein forms P184R.
Identifiers: ClinVar variation 3763920 (VCV003763920.2).